The following is an entry in ClinVar:

NM_018026.4(PACS1):c.1423G>A (p.Val475Met)

Gene: PACS1 (phosphofurin acidic cluster sorting protein 1; plus strand). Cytogenetic location: 11q13.2.
Variant type: single nucleotide variant.
Coding change: c.1423G>A on transcript NM_018026.4 (MANE Select); coding-DNA position 1423, G replaced by A.
Protein change: p.Val475Met; replaces valine 475 with methionine.
Molecular consequence: missense variant.
Genome position (GRCh38, 1-based): chr11:66,230,596, G>A. VCF-style: chr11-66230596-G-A. GRCh37 (hg19) VCF-style: chr11-65998067-G-A.
Other names: c.1423G>A (NM_018026.2); short protein forms V475M.
Identifiers: ClinVar variation 3047793 (VCV003047793.5), dbSNP rs778277597, ClinGen allele CA6116568.

ClinVar aggregate classification (germline): Conflicting classifications of pathogenicity. Review status: criteria provided, conflicting classifications (1 of 4 stars). 3 submissions from 3 submitters: Uncertain significance (1); Likely benign (1). 1 of the submissions does not count toward it. Last evaluated 2025-06-06.

Conditions:
Schuurs-Hoeijmakers syndrome. Also called: PACS1-Related Neurodevelopmental Disorder. Identifiers: Orphanet 329224, MedGen C3554343, MONDO:0014006, OMIM 615009.
Inborn genetic diseases. Identifiers: MedGen C0950123, MeSH D030342.
PACS1-related disorder. Also called: PACS1-related condition.

Allele frequency attached by ClinVar (database versions not stated): ExAC 0.00003.
gnomAD v4.1: 46 of 1,614,052 alleles (0.0028%); highest among the groups gnomAD compares: Middle Eastern, 0.099%; no homozygotes.

Submissions (3):

Ambry Genetics
Classification: Likely benign for Inborn genetic diseases. Last evaluated: 2025-06-06. Review status: criteria provided, single submitter. Criteria: Ambry Variant Classification Scheme 2023. Collection method: clinical testing. Allele origin: germline.

Labcorp Genetics (formerly Invitae), Labcorp
Classification: Uncertain significance for Schuurs-Hoeijmakers syndrome. Last evaluated: 2024-07-19. Review status: criteria provided, single submitter. Criteria: Invitae Variant Classification Sherloc (09022015). Collection method: clinical testing. Allele origin: germline.
Comment: This sequence change replaces valine, which is neutral and non-polar, with methionine, which is neutral and non-polar, at codon 475 of the PACS1 protein (p.Val475Met). This variant is present in population databases (rs778277597, gnomAD 0.04%), and has an allele count higher than expected for a pathogenic variant. This variant has not been reported in the literature in individuals affected with PACS1-related conditions. Advanced modeling of protein sequence and biophysical properties (such as structural, functional, and spatial information, amino acid conservation, physicochemical variation, residue mobility, and thermodynamic stability) performed at Invitae indicates that this missense variant is not expected to disrupt PACS1 protein function with a negative predictive value of 80%. In summary, the available evidence is currently insufficient to determine the role of this variant in disease. Therefore, it has been classified as a Variant of Uncertain Significance.

PreventionGenetics, part of Exact Sciences
Classification: Likely benign for PACS1-related condition. Last evaluated: 2023-08-17. Review status: no assertion criteria provided. Collection method: clinical testing. Allele origin: germline. Not counted in ClinVar's aggregate classification.
Comment: This variant is classified as likely benign based on ACMG/AMP sequence variant interpretation guidelines (Richards et al. 2015 PMID: 25741868, with internal and published modifications).